The following is an entry in ClinVar:

ClinVar aggregate classification (germline): Uncertain significance (1 of 4 stars; one submission).

Allele frequency attached by ClinVar (database versions not stated): gnomAD exomes below 0.00001.
gnomAD v4.1: 1 of 1,613,976 alleles (0.000062%); highest among the groups gnomAD compares: African/African-American, 0.0013%; no homozygotes.

Submission:

GeneDx
Classification: Uncertain significance. Last evaluated: 2024-05-29. Review status: criteria provided, single submitter. Criteria: GeneDx Variant Classification Process June 2021. Collection method: clinical testing. Allele origin: germline. Affected: yes.
Comment: Not observed at significant frequency in large population cohorts (gnomAD); In silico analysis indicates that this missense variant does not alter protein structure/function; Has not been previously published as pathogenic or benign to our knowledge

NM_015570.4(AUTS2):c.905T>C (p.Val302Ala)

Gene: AUTS2 (activator of transcription and developmental regulator AUTS2; plus strand). Cytogenetic location: 7q11.22.
Variant type: single nucleotide variant.
Coding change: c.905T>C on transcript NM_015570.4 (MANE Select); coding-DNA position 905, T replaced by C.
Protein change: p.Val302Ala; replaces valine 302 with alanine.
Molecular consequence: missense variant.
Genome position (GRCh38, 1-based): chr7:70,763,032, T>C. VCF-style: chr7-70763032-T-C. GRCh37 (hg19) VCF-style: chr7-70228018-T-C.
Other names: c.905T>C, p.Val302Ala (NM_001127231.3); short protein forms V302A.
Identifiers: ClinVar variation 3252848 (VCV003252848.1), dbSNP rs2484636620.